The following is an entry in ClinVar:

ClinVar aggregate classification (germline): Uncertain significance (1 of 4 stars; one submission).

Conditions:
Arrhythmogenic cardiomyopathy with wooly hair and keratoderma. Also called: PALMOPLANTAR KERATODERMA WITH LEFT VENTRICULAR CARDIOMYOPATHY AND WOOLLY HAIR; Carvajal syndrome; Dilated cardiomyopathy with woolly hair and keratoderma; Arrhythmogenic cardiomyopathy with woolly hair and keratoderma. Identifiers: Orphanet 65282, MedGen C1854063, MONDO:0011581, OMIM 605676.
Arrhythmogenic right ventricular dysplasia 8 (ARVD8). Also called: Arrhythmogenic Right Ventricular Dysplasia/Cardiomyopathy 8; ARRHYTHMOGENIC RIGHT VENTRICULAR DYSPLASIA, FAMILIAL, 8; ARRHYTHMOGENIC RIGHT VENTRICULAR CARDIOMYOPATHY 8. Identifiers: MedGen C1843896, MONDO:0011831, OMIM 607450.

Submission:

Labcorp Genetics (formerly Invitae), Labcorp
Classification: Uncertain significance for Arrhythmogenic cardiomyopathy with wooly hair and keratoderma; Arrhythmogenic right ventricular dysplasia 8. Last evaluated: 2025-03-05. Review status: criteria provided, single submitter. Criteria: Invitae Variant Classification Sherloc (09022015). Collection method: clinical testing. Allele origin: germline.
Comment: This sequence change replaces alanine, which is neutral and non-polar, with proline, which is neutral and non-polar, at codon 311 of the DSP protein (p.Ala311Pro). This variant is not present in population databases (gnomAD no frequency). This variant has not been reported in the literature in individuals affected with DSP-related conditions. ClinVar contains an entry for this variant (Variation ID: 2950273). An algorithm developed to predict the effect of missense changes on protein structure and function (PolyPhen-2) suggests that this variant is likely to be disruptive. In summary, the available evidence is currently insufficient to determine the role of this variant in disease. Therefore, it has been classified as a Variant of Uncertain Significance.

NM_004415.4(DSP):c.931G>C (p.Ala311Pro)

Gene: DSP (desmoplakin; plus strand). Cytogenetic location: 6p24.3.
Variant type: single nucleotide variant.
Coding change: c.931G>C on transcript NM_004415.4 (MANE Select); coding-DNA position 931, G replaced by C.
Protein change: p.Ala311Pro; replaces alanine 311 with proline.
Molecular consequence: missense variant.
Genome position (GRCh38, 1-based): chr6:7,565,512, G>C. VCF-style: chr6-7565512-G-C. GRCh37 (hg19) VCF-style: chr6-7565745-G-C.
Other names: c.931G>C, p.Ala311Pro (NM_001008844.3, NM_001319034.2, NM_001406591.1); short protein forms A311P.
Identifiers: ClinVar variation 2950273 (VCV002950273.3), dbSNP rs2533872942, ClinGen allele CA362674704.